The following is an entry in ClinVar:

NM_020778.4(ALPK3):c.2T>G (p.Met1Arg)

Gene: ALPK3 (alpha kinase 3; plus strand). Cytogenetic location: 15q25.3.
Variant type: single nucleotide variant.
Coding change: c.2T>G on transcript NM_020778.4; coding-DNA position 2, T replaced by G.
Protein change: p.Met1Arg; changes the start codon (methionine 1).
Genome position (GRCh38, 1-based): chr15:84,816,848, T>G. VCF-style: chr15-84816848-T-G. GRCh37 (hg19) VCF-style: chr15-85360079-T-G.
Other names: short protein forms M1R.
Identifiers: ClinVar variation 3533425 (VCV003533425.1).

ClinVar aggregate classification (germline): Uncertain significance (1 of 4 stars; one submission).

Conditions:
Cardiovascular phenotype. Identifiers: MedGen CN230736.

Submission:

Ambry Genetics
Classification: Uncertain significance for Cardiovascular phenotype. Last evaluated: 2024-11-01. Review status: criteria provided, single submitter. Criteria: Ambry Variant Classification Scheme 2023. Collection method: clinical testing. Allele origin: germline.
Comment: The p.M1? variant (also known as c.2T>G) is located in coding exon 1 of the ALPK3 gene and results from a T to G substitution at nucleotide position 2. This alters the methionine residue at the initiation codon (ATG). This alteration is expected to result in loss of function by premature protein truncation or nonsense-mediated mRNA decay. However, based on data from gnomAD, several loss of function alterations in the first exon of ALPK3 (p.C64* and p.E148Qfs*8) are too frequent to cause disease given the incidence of pediatric cardiomyopathy. The abundance of nonsense and frameshift alleles in the first exon in population databases brings into question the pathogenicity of loss of function alterations in N-terminus of ALPK3 and suggests the possibility of an alternative start site. Since supporting evidence is limited at this time, the clinical significance of this alteration remains unclear.